The following is an entry in ClinVar:

NM_007118.4(TRIO):c.77C>A (p.Ser26Ter)

Gene: TRIO (trio Rho guanine nucleotide exchange factor; plus strand). Cytogenetic location: 5p15.2.
Variant type: single nucleotide variant.
Coding change: c.77C>A on transcript NM_007118.4 (MANE Select); coding-DNA position 77, C replaced by A.
Protein change: p.Ser26Ter; replaces serine 26 with a stop codon.
Molecular consequence: nonsense. On other transcripts: non-coding transcript variant (1).
Genome position (GRCh38, 1-based): chr5:14,143,802, C>A. VCF-style: chr5-14143802-C-A. GRCh37 (hg19) VCF-style: chr5-14143911-C-A.
Other names: short protein forms S26*.
Identifiers: ClinVar variation 1212128 (VCV001212128.4), dbSNP rs1179257010, ClinGen allele CA359283267.
Genomic context (GRCh38, chr5:14,143,802, plus strand): 5'-GCGGAGCCGCCGCCCCCGCCGCGTCCTCCGGCCCCGCCGCGGCGGCCAGCGCGGCTGGCT[C>A]GGGCTGCGGGGGCGGTGCCGGCGAGGGGGCAGAGGAGGCGGCCAAGGACCTGGCCGACAT-3'

ClinVar aggregate classification (germline): Pathogenic (1 of 4 stars; one submission).

Submission:

GeneDx
Classification: Pathogenic. Last evaluated: 2023-04-19. Review status: criteria provided, single submitter. Criteria: GeneDx Variant Classification Process June 2021. Collection method: clinical testing. Allele origin: germline. Affected: yes.
Comment: Reported in the heterozygous state in a patient with autism spectrum disorder, absent speech, behavioral difficulties, and macrocephaly who also had a missense variant in another gene; both variants were inherited from an affected mother (Schultz-Rogers et al., 2020); Nonsense variant predicted to result in protein truncation or nonsense mediated decay in a gene for which loss-of-function is a known mechanism of disease; Not observed at significant frequency in large population cohorts (gnomAD); This variant is associated with the following publications: (PMID: 33167890)